The following is an entry in ClinVar:

NM_002951.5(RPN2):c.85C>T (p.Leu29Phe)

Gene: RPN2 (ribophorin II; plus strand). Cytogenetic location: 20q11.23.
Variant type: single nucleotide variant.
Coding change: c.85C>T on transcript NM_002951.5 (MANE Select); coding-DNA position 85, C replaced by T.
Protein change: p.Leu29Phe; replaces leucine 29 with phenylalanine.
Molecular consequence: missense variant. On other transcripts: 5 prime UTR variant (1).
Genome position (GRCh38, 1-based): chr20:37,184,251, C>T. VCF-style: chr20-37184251-C-T. GRCh37 (hg19) VCF-style: chr20-35812654-C-T.
Other names: c.85C>T, p.Leu29Phe (NM_001135771.3, NM_001324299.2, NM_001324301.2 and 4 more transcripts); c.-115C>T (NM_001324306.2); short protein forms L29F.
Identifiers: ClinVar variation 2051509 (VCV002051509.4), dbSNP rs771634062, ClinGen allele CA9846746.

ClinVar aggregate classification (germline): Uncertain significance (1 of 4 stars; one submission).

Conditions:
Congenital disorder of glycosylation (CDG). Also called: Congenital disorders of glycosylation; Carbohydrate-deficient glycoprotein syndrome. Identifiers: Orphanet 137, MedGen C0282577, MONDO:0015286.

Allele frequency attached by ClinVar (database versions not stated): gnomAD 0.00002; gnomAD exomes 0.00005; TOPMed 0.00008; ExAC 0.00021.

Submission:

Labcorp Genetics (formerly Invitae), Labcorp
Classification: Uncertain significance for Congenital disorder of glycosylation. Last evaluated: 2025-11-05. Review status: criteria provided, single submitter. Criteria: Invitae Variant Classification Sherloc (09022015). Collection method: clinical testing. Allele origin: germline.
Comment: This sequence change replaces leucine, which is neutral and non-polar, with phenylalanine, which is neutral and non-polar, at codon 29 of the RPN2 protein (p.Leu29Phe). This variant is present in population databases (rs771634062, gnomAD 0.2%), and has an allele count higher than expected for a pathogenic variant. This variant has not been reported in the literature in individuals affected with RPN2-related conditions. ClinVar contains an entry for this variant (Variation ID: 2051509). An algorithm developed to predict the effect of missense changes on protein structure and function (PolyPhen-2) suggests that this variant is likely to be disruptive. In summary, the available evidence is currently insufficient to determine the role of this variant in disease. Therefore, it has been classified as a Variant of Uncertain Significance.